The following is an entry in ClinVar:

ClinVar aggregate classification (germline): Uncertain significance (1 of 4 stars; one submission).

Allele frequency attached by ClinVar (database versions not stated): gnomAD 0.00005 and 0.00003; ESP Exome Variant Server 0.00008; TOPMed 0.00012; 1000 Genomes Project 30x 0.00016; 1000 Genomes Project 0.00020; gnomAD exomes 0.00002 and 0.00004; ExAC 0.00004.
gnomAD v4.1: 47 of 1,613,396 alleles (0.0029%); highest among the groups gnomAD compares: Middle Eastern, 0.017%; no homozygotes.

Submission:

Labcorp Genetics (formerly Invitae), Labcorp
Classification: Uncertain significance. Last evaluated: 2025-11-28. Review status: criteria provided, single submitter. Criteria: Invitae Variant Classification Sherloc (09022015). Collection method: clinical testing. Allele origin: germline.
Comment: This sequence change replaces asparagine, which is neutral and polar, with aspartic acid, which is acidic and polar, at codon 145 of the ADGRA3 protein (p.Asn145Asp). This variant is present in population databases (rs142690763, gnomAD 0.02%). This variant has not been reported in the literature in individuals affected with ADGRA3-related conditions. ClinVar contains an entry for this variant (Variation ID: 936163). An algorithm developed to predict the effect of missense changes on protein structure and function (PolyPhen-2) suggests that this variant is likely to be disruptive. In summary, the available evidence is currently insufficient to determine the role of this variant in disease. Therefore, it has been classified as a Variant of Uncertain Significance.

NM_145290.4(ADGRA3):c.433A>G (p.Asn145Asp)

Gene: ADGRA3 (adhesion G protein-coupled receptor A3; minus strand). Cytogenetic location: 4p15.2.
Variant type: single nucleotide variant.
Coding change: c.433A>G on transcript NM_145290.4 (MANE Select); coding-DNA position 433, A replaced by G.
Protein change: p.Asn145Asp; replaces asparagine 145 with aspartic acid.
Molecular consequence: missense variant.
Genome position (GRCh38, 1-based): chr4:22,454,906, T>C on the plus strand (A>G on the coding strand, the complement: ADGRA3 is on the minus strand). VCF-style: chr4-22454906-T-C. GRCh37 (hg19) VCF-style: chr4-22456529-T-C.
Other names: short protein forms N145D.
Identifiers: ClinVar variation 936163 (VCV000936163.10), dbSNP rs142690763, ClinGen allele CA2874261.
Genomic context (GRCh38, chr4:22,454,906, plus strand): 5'-GAAAGAAAAGATATACTTACAGCCGAACCAGATTGGTGAGTCCTCGAAATATGTCTGCAT[T>C]CAGACATCCTATTCGATTGTTTGTCAGATCCCTAAGGAGAAGGGTGGAAAAGTGTCTTCA-3'
Protein context (NP_660333.2, residues 135-155): DLTNNRIGCL[Asn145Asp]ADIFRGLTNL